The following is an entry in ClinVar:

NM_000051.4(ATM):c.2727del (p.Thr910fs)

Gene: ATM (ATM serine/threonine kinase; plus strand). Cytogenetic location: 11q22.3.
Variant type: Deletion.
Coding change: c.2727del on transcript NM_000051.4 (MANE Select); coding-DNA position 2727, one base deleted (T; older notation c.2727delT).
Protein change: p.Thr910fs; shifts the reading frame from threonine 910.
Molecular consequence: frameshift variant.
Genome position (GRCh38, 1-based): chr11:108,268,498, T deleted. VCF-style (leftmost placement, unchanged base first): chr11-108268497-CT-C. GRCh37 (hg19) VCF-style: chr11-108139224-CT-C.
Other names: c.2727delT (NM_000051.3); c.2727del, p.Thr910fs (NM_001351834.2); short protein forms T910fs.
Identifiers: ClinVar variation 545827 (VCV000545827.12), dbSNP rs1555083267, ClinGen allele CA658823320.

ClinVar aggregate classification (germline): Pathogenic. Review status: criteria provided, multiple submitters, no conflicts (2 of 4 stars). 4 submissions from 4 submitters: Pathogenic (4). Last evaluated 2025-12-19.

Conditions:
Hereditary cancer-predisposing syndrome. Also called: Tumor predisposition; Hereditary Cancer Syndrome; Neoplastic Syndromes, Hereditary; Hereditary neoplastic syndrome. Identifiers: Orphanet 140162, MedGen C0027672, MeSH D009386, MONDO:0015356.
Familial cancer of breast. Also called: Hereditary breast cancer; BREAST CANCER, FAMILIAL; hereditary breast carcinoma. Identifiers: Orphanet 227535, MedGen C0346153, MONDO:0016419, OMIM 114480. Disease mechanism: loss of function.
Ataxia-telangiectasia syndrome (AT). Also called: Ataxia telangiectasia (A-T); LOUIS-BAR SYNDROME; ATAXIA-TELANGIECTASIA, FRESNO VARIANT; Ataxia-telangiectasia; Ataxia-telangiectasia, complementation group E; Ataxia-telangiectasia, complementation group D. Identifiers: Orphanet 100, MedGen C0004135, MONDO:0008840, OMIM 208900.

Submissions (4):

Ambry Genetics
Classification: Pathogenic for Hereditary cancer-predisposing syndrome. Last evaluated: 2025-12-19. Review status: criteria provided, single submitter. Criteria: Ambry Variant Classification Scheme 2023. Collection method: clinical testing. Allele origin: germline.
Comment: The c.2727delT pathogenic mutation, located in coding exon 17 of the ATM gene, results from a deletion of one nucleotide at nucleotide position 2727, causing a translational frameshift with a predicted alternate stop codon (p.T910Lfs*19). This variant is considered to be rare based on population cohorts in the Genome Aggregation Database (gnomAD). This alteration is expected to result in loss of function by premature protein truncation or nonsense-mediated mRNA decay. As such, this alteration is interpreted as a disease-causing mutation.

Myriad Genetics, Inc.
Classification: Pathogenic for Familial cancer of breast. Last evaluated: 2024-01-18. Review status: criteria provided, single submitter. Criteria: Myriad Autosomal Dominant, Autosomal Recessive and X-Linked Classification Criteria (2023). Collection method: clinical testing. Allele origin: unknown.
Comment: This variant is considered pathogenic. This variant creates a frameshift predicted to result in premature protein truncation.

Labcorp Genetics (formerly Invitae), Labcorp
Classification: Pathogenic for Ataxia-telangiectasia syndrome. Last evaluated: 2022-10-25. Review status: criteria provided, single submitter. Criteria: Invitae Variant Classification Sherloc (09022015). Collection method: clinical testing. Allele origin: germline.
Comment: This sequence change creates a premature translational stop signal (p.Thr910Leufs*19) in the ATM gene. It is expected to result in an absent or disrupted protein product. Loss-of-function variants in ATM are known to be pathogenic (PMID: 23807571, 25614872). This variant is not present in population databases (gnomAD no frequency). This variant has not been reported in the literature in individuals affected with ATM-related conditions. ClinVar contains an entry for this variant (Variation ID: 545827). For these reasons, this variant has been classified as Pathogenic.

GeneDx
Classification: Pathogenic. Last evaluated: 2017-10-11. Review status: criteria provided, single submitter. Criteria: GeneDx Variant Classification (06012015). Collection method: clinical testing. Allele origin: germline. Affected: yes.
Comment: This deletion of one nucleotide in ATM is denoted c.2727delT at the cDNA level and p.Thr910LeufsX19 (T910LfsX19) at the protein level. The normal sequence, with the base that is deleted in brackets, is TAAC[delT]ACTG. The deletion causes a frameshift which changes a Threonine to a Leucine at codon 910, and creates a premature stop codon at position 19 of the new reading frame. Although this variant has not, to our knowledge, been reported in the literature, it is predicted to cause loss of normal protein function through either protein truncation or nonsense-mediated mRNA decay. We consider this variant to be pathogenic.

Literature cited by the submitters: PubMed 23807571 (cited by Labcorp Genetics (formerly Invitae), Labcorp); PubMed 25614872 (cited by Labcorp Genetics (formerly Invitae), Labcorp).